The following is an entry in ClinVar:

ClinVar aggregate classification (germline): Conflicting classifications of pathogenicity. Review status: criteria provided, conflicting classifications (1 of 4 stars). 2 submissions from 2 submitters: Uncertain significance (1); Likely benign (1). Last evaluated 2022-10-17.

Conditions:
Epilepsy. Also called: Seizure disorder. Identifiers: MedGen C0014544, MeSH D004827, MONDO:0005027.

Allele frequency attached by ClinVar (database versions not stated): ESP Exome Variant Server 0.00008; gnomAD 0.00019 and 0.00021; TOPMed 0.00026; 1000 Genomes Project 0.00060; 1000 Genomes Project 30x 0.00062; gnomAD exomes 0.00007; ExAC 0.00008.
gnomAD v4.1: 88 of 1,610,946 alleles (0.0055%); highest among the groups gnomAD compares: African/African-American, 0.079%; 1 homozygote.

Submissions (2):

Labcorp Genetics (formerly Invitae), Labcorp
Classification: Uncertain significance for Epilepsy. Last evaluated: 2022-10-17. Review status: criteria provided, single submitter. Criteria: Invitae Variant Classification Sherloc (09022015). Collection method: clinical testing. Allele origin: germline.
Comment: This sequence change replaces arginine, which is basic and polar, with glutamine, which is neutral and polar, at codon 53 of the PIGQ protein (p.Arg53Gln). This variant is present in population databases (rs182739177, gnomAD 0.07%). This variant has not been reported in the literature in individuals affected with PIGQ-related conditions. ClinVar contains an entry for this variant (Variation ID: 652523). Algorithms developed to predict the effect of missense changes on protein structure and function output the following: SIFT: "Tolerated"; PolyPhen-2: "Benign"; Align-GVGD: "Class C0". The glutamine amino acid residue is found in multiple mammalian species, which suggests that this missense change does not adversely affect protein function. In summary, the available evidence is currently insufficient to determine the role of this variant in disease. Therefore, it has been classified as a Variant of Uncertain Significance.

CeGaT Center for Human Genetics Tuebingen
Classification: Likely benign. Last evaluated: 2022-06-01. Review status: criteria provided, single submitter. Criteria: CeGaT Center For Human Genetics Tuebingen Variant Classification Criteria Version 2. Collection method: clinical testing. Allele origin: germline. Affected: yes. Observed: 2 variant alleles.
Comment: PIGQ: BP4, BP5

NM_004204.5(PIGQ):c.158G>A (p.Arg53Gln)

Gene: PIGQ (phosphatidylinositol glycan anchor biosynthesis class Q; plus strand). Cytogenetic location: 16p13.3.
Variant type: single nucleotide variant.
Coding change: c.158G>A on transcript NM_004204.5 (MANE Select); coding-DNA position 158, G replaced by A.
Protein change: p.Arg53Gln; replaces arginine 53 with glutamine.
Molecular consequence: missense variant.
Genome position (GRCh38, 1-based): chr16:574,232, G>A. VCF-style: chr16-574232-G-A. GRCh37 (hg19) VCF-style: chr16-624232-G-A.
Other names: c.158G>A, p.Arg53Gln (NM_148920.4); short protein forms R53Q.
Identifiers: ClinVar variation 652523 (VCV000652523.40), dbSNP rs182739177, ClinGen allele CA7779795.